The following is an entry in ClinVar:

ClinVar aggregate classification (germline): Likely pathogenic (1 of 4 stars; one submission).

Conditions:
Argininosuccinate lyase deficiency. Also called: ARGININOSUCCINIC ACID LYASE DEFICIENCY; ASL DEFICIENCY; Argininosuccinic aciduria. Identifiers: Orphanet 23, MedGen C0268547, MONDO:0008815, OMIM 207900, HP:0025630.

Submission:

Myriad Genetics, Inc.
Classification: Likely pathogenic for Argininosuccinate lyase deficiency. Last evaluated: 2022-03-27. Review status: criteria provided, single submitter. Criteria: Myriad Women's Health Autosomal Recessive and X-Linked Classification Criteria (2021). Collection method: clinical testing. Allele origin: unknown.
Comment: NM_001024943.1(ASL):c.117delT(Q40Kfs*28) is expected to be pathogenic in the context of argininosuccinic aciduria. This variant is predicted to lead to an abnormal or absent protein product due to the creation of a premature termination codon in ASL, a gene where loss-of-function variants are known to be pathogenic. Please note: this variant was assessed in the context of healthy population screening.

NM_000048.4(ASL):c.117del (p.Gln40fs)

Gene: ASL (argininosuccinate lyase; plus strand). Cytogenetic location: 7q11.21.
Variant type: Deletion.
Coding change: c.117del on transcript NM_000048.4 (MANE Select); coding-DNA position 117, one base deleted (T; older notation c.117delT).
Protein change: p.Gln40fs; shifts the reading frame from glutamine 40.
Molecular consequence: frameshift variant.
Genome position (GRCh38, 1-based): chr7:66,081,907, T deleted; the last of 2 consecutive T bases (chr7:66,081,906-66,081,907); deleting either gives the same sequence. VCF-style (leftmost placement, unchanged base first): chr7-66081905-GT-G. GRCh37 (hg19) VCF-style: chr7-65546892-GT-G.
Other names: c.117del, p.Gln40fs (NM_001024943.2, NM_001024944.2, NM_001024946.2); short protein forms Q40fs.
Identifiers: ClinVar variation 1725471 (VCV001725471.2), dbSNP rs2484993652, ClinGen allele CA2580077282.
Genomic context (GRCh38, chr7:66,081,905, plus strand): 5'-CCCATCATGGAGAAGTTCAACGCGTCCATTGCCTACGACCGGCACCTTTGGGAGGTGGAT[GT>G]TCAAGGCAGCAAAGCCTACAGCAGGGGCCTGGAGAAGGCAGGGCTCCTCACCAAGGCCGA-3'